The following is an entry in ClinVar:

ClinVar aggregate classification (germline): Uncertain significance (1 of 4 stars; one submission).

Conditions:
Hypertrophic cardiomyopathy 1 (CMH1). Also called: Familial hypertrophic cardiomyopathy 1; MYH7-Related Familial Hypertrophic Cardiomyopathy. Identifiers: MedGen C3495498, MONDO:0008647, OMIM 192600.

gnomAD v4.1: 3 of 1,613,408 alleles (0.00019%); highest among the groups gnomAD compares: South Asian, 0.0022%; no homozygotes.

Submission:

Labcorp Genetics (formerly Invitae), Labcorp
Classification: Uncertain significance for Hypertrophic cardiomyopathy 1. Last evaluated: 2024-03-28. Review status: criteria provided, single submitter. Criteria: Invitae Variant Classification Sherloc (09022015). Collection method: clinical testing. Allele origin: germline.
Comment: This sequence change replaces lysine, which is basic and polar, with arginine, which is basic and polar, at codon 77 of the MYLK2 protein (p.Lys77Arg). This variant is not present in population databases (gnomAD no frequency). This variant has not been reported in the literature in individuals affected with MYLK2-related conditions. Advanced modeling of protein sequence and biophysical properties (such as structural, functional, and spatial information, amino acid conservation, physicochemical variation, residue mobility, and thermodynamic stability) performed at Invitae indicates that this missense variant is not expected to disrupt MYLK2 protein function with a negative predictive value of 80%. In summary, the available evidence is currently insufficient to determine the role of this variant in disease. Therefore, it has been classified as a Variant of Uncertain Significance.

NM_033118.4(MYLK2):c.230A>G (p.Lys77Arg)

Gene: MYLK2 (myosin light chain kinase 2; plus strand). Cytogenetic location: 20q11.21.
Variant type: single nucleotide variant.
Coding change: c.230A>G on transcript NM_033118.4 (MANE Select); coding-DNA position 230, A replaced by G.
Protein change: p.Lys77Arg; replaces lysine 77 with arginine.
Molecular consequence: missense variant.
Genome position (GRCh38, 1-based): chr20:31,820,303, A>G. VCF-style: chr20-31820303-A-G. GRCh37 (hg19) VCF-style: chr20-30408106-A-G.
Other names: short protein forms K77R.
Identifiers: ClinVar variation 3702510 (VCV003702510.2).